The following is an entry in ClinVar:

NM_016107.5(ZFR):c.1397T>C (p.Met466Thr)

Gene: ZFR (zinc finger RNA binding protein; minus strand). Cytogenetic location: 5p13.3.
Variant type: single nucleotide variant.
Coding change: c.1397T>C on transcript NM_016107.5 (MANE Select); coding-DNA position 1397, T replaced by C.
Protein change: p.Met466Thr; replaces methionine 466 with threonine.
Molecular consequence: missense variant. On other transcripts: non-coding transcript variant (1).
Genome position (GRCh38, 1-based): chr5:32,403,225, A>G on the plus strand (T>C on the coding strand, the complement: ZFR is on the minus strand). VCF-style: chr5-32403225-A-G. GRCh37 (hg19) VCF-style: chr5-32403330-A-G.
Other names: short protein forms M466T.
Identifiers: ClinVar variation 4705300 (VCV004705300.1).

ClinVar aggregate classification (germline): Uncertain significance (1 of 4 stars; one submission).

Conditions:
Pure or complex autosomal recessive spastic paraplegia. Identifiers: Orphanet 320346, MedGen C5679887, MONDO:0017915.

gnomAD v4.1: 82 of 1,614,118 alleles (0.0051%); highest among the groups gnomAD compares: Non-Finnish European, 0.0058%; no homozygotes.

Submission:

Labcorp Genetics (formerly Invitae), Labcorp
Classification: Uncertain significance for Pure or complex autosomal recessive spastic paraplegia. Last evaluated: 2025-10-17. Review status: criteria provided, single submitter. Criteria: Invitae Variant Classification Sherloc (09022015). Collection method: clinical testing. Allele origin: germline.
Comment: This sequence change replaces methionine, which is neutral and non-polar, with threonine, which is neutral and polar, at codon 466 of the ZFR protein (p.Met466Thr). This variant is present in population databases (rs773804522, gnomAD 0.007%). This variant has not been reported in the literature in individuals affected with ZFR-related conditions. Experimental studies and prediction algorithms are not available or were not evaluated, and the functional significance of this variant is currently unknown. In summary, the available evidence is currently insufficient to determine the role of this variant in disease. Therefore, it has been classified as a Variant of Uncertain Significance.